The following is an entry in ClinVar:

ClinVar aggregate classification (germline): Uncertain significance. Review status: criteria provided, multiple submitters, no conflicts (2 of 4 stars). 4 submissions from 4 submitters: Uncertain significance (4). Last evaluated 2026-01-08.

Conditions:
Tumor predisposition syndrome 3 (TPDS3). Also called: Melanoma, cutaneous malignant, susceptibility to, 10; Glioma susceptibility 9; LONG TELOMERE SYNDROME, POT1-RELATED; POT1 Tumor Predisposition. Identifiers: Orphanet 618, MedGen C4014476, MONDO:0014368, OMIM 615848.
Hereditary cancer-predisposing syndrome. Also called: Neoplastic Syndromes, Hereditary; Tumor predisposition; Hereditary Cancer Syndrome; Hereditary neoplastic syndrome. Identifiers: Orphanet 140162, MedGen C0027672, MeSH D009386, MONDO:0015356.

Allele frequency attached by ClinVar (database versions not stated): TOPMed below 0.00001.
gnomAD v4.1: 1 of 1,609,020 alleles (0.000062%); no homozygotes.

Submissions (4):

Labcorp Genetics (formerly Invitae), Labcorp
Classification: Uncertain significance for Tumor predisposition syndrome 3. Last evaluated: 2026-01-08. Review status: criteria provided, single submitter. Criteria: Invitae Variant Classification Sherloc (09022015). Collection method: clinical testing. Allele origin: germline.
Comment: This sequence change replaces asparagine, which is neutral and polar, with aspartic acid, which is acidic and polar, at codon 611 of the POT1 protein (p.Asn611Asp). This variant is not present in population databases (gnomAD no frequency). This variant has not been reported in the literature in individuals affected with POT1-related conditions. ClinVar contains an entry for this variant (Variation ID: 1350043). Invitae Evidence Modeling of protein sequence and biophysical properties (such as structural, functional, and spatial information, amino acid conservation, physicochemical variation, residue mobility, and thermodynamic stability) indicates that this missense variant is not expected to disrupt POT1 protein function with a negative predictive value of 80%. In summary, the available evidence is currently insufficient to determine the role of this variant in disease. Therefore, it has been classified as a Variant of Uncertain Significance.

Quest Diagnostics Nichols Institute San Juan Capistrano
Classification: Uncertain significance. Last evaluated: 2025-01-03. Review status: criteria provided, single submitter. Criteria: Quest Diagnostics criteria. Collection method: clinical testing. Allele origin: unknown.
Comment: The POT1 c.1831A>G (p.Asn611Asp) variant has not been reported in individuals with POT1-related conditions in the published literature. It also has not been reported in large, multi-ethnic general populations (Genome Aggregation Database). Analysis of this variant using bioinformatics tools for the prediction of the effect of amino acid changes on protein structure and function yielded conflicting predictions that this variant is benign or damaging. Based on the available information, we are unable to determine the clinical significance of this variant.

Ambry Genetics
Classification: Uncertain significance for Hereditary cancer-predisposing syndrome. Last evaluated: 2024-07-14. Review status: criteria provided, single submitter. Criteria: Ambry Variant Classification Scheme 2023. Collection method: clinical testing. Allele origin: germline.

Sema4
Classification: Uncertain significance for Hereditary cancer-predisposing syndrome. Last evaluated: 2021-10-13. Review status: criteria provided, single submitter. Criteria: Sema4 Curation Guidelines. Collection method: curation. Allele origin: germline.
Comment: The POT1 c.1831A>G (p.N611D) variant has not been reported in the literature to our knowledge. It was not observed in the large and broad cohorts of the Genome Aggregation Database (PMID: 32461654). The variant has not been reported in ClinVar. Functional studies have not been performed, and in silico predictions of the variant's effect on protein function are inconclusive. The evidence is insufficient to meet ACMG/AMP criteria for classifying the variant as benign or pathogenic. Thus, the clinical significance of this variant is currently uncertain.

NM_015450.3(POT1):c.1831A>G (p.Asn611Asp)

Gene: POT1 (protection of telomeres 1; minus strand). Cytogenetic location: 7q31.33.
Variant type: single nucleotide variant.
Coding change: c.1831A>G on transcript NM_015450.3 (MANE Select); coding-DNA position 1831, A replaced by G.
Protein change: p.Asn611Asp; replaces asparagine 611 with aspartic acid.
Molecular consequence: missense variant. On other transcripts: non-coding transcript variant (3).
Genome position (GRCh38, 1-based): chr7:124,824,036, T>C on the plus strand (A>G on the coding strand, the complement: POT1 is on the minus strand). VCF-style: chr7-124824036-T-C. GRCh37 (hg19) VCF-style: chr7-124464090-T-C.
Other names: c.1438A>G, p.Asn480Asp (NM_001042594.2); short protein forms N480D, N611D.
Identifiers: ClinVar variation 1350043 (VCV001350043.14), dbSNP rs1794570957, ClinGen allele CA369061209.